The following is an entry in ClinVar:

ClinVar aggregate classification (germline): Uncertain significance (1 of 4 stars; one submission).

Conditions:
Developmental and epileptic encephalopathy, 42 (DEE42A). Also called: DEVELOPMENTAL AND EPILEPTIC ENCEPHALOPATHY 42A; EPILEPTIC ENCEPHALOPATHY, EARLY INFANTILE, 42A; Epileptic encephalopathy, early infantile, 42. Identifiers: MedGen C4310716, MONDO:0014917, OMIM 617106.
Episodic ataxia type 2 (EA2). Also called: ACETAZOLAMIDE-RESPONSIVE HEREDITARY PAROXYSMAL CEREBELLAR ATAXIA; ATAXIA, EPISODIC, WITH NYSTAGMUS; ATAXIA, FAMILIAL PAROXYSMAL; CEREBELLAR ATAXIA, PAROXYSMAL, ACETAZOLAMIDE-RESPONSIVE; CEREBELLOPATHY, HEREDITARY PAROXYSMAL; EPISODIC ATAXIA, NYSTAGMUS-ASSOCIATED. Identifiers: Orphanet 97, MedGen C1720416, MONDO:0007163, OMIM 108500.

Allele frequency attached by ClinVar (database versions not stated): gnomAD exomes 0.00001; ExAC 0.00003.
gnomAD v4.1: 5 of 1,589,690 alleles (0.00031%); highest among the groups gnomAD compares: Middle Eastern, 0.017%; no homozygotes.

Submission:

Labcorp Genetics (formerly Invitae), Labcorp
Classification: Uncertain significance for Developmental and epileptic encephalopathy, 42; Episodic ataxia type 2. Last evaluated: 2023-10-13. Review status: criteria provided, single submitter. Criteria: Invitae Variant Classification Sherloc (09022015). Collection method: clinical testing. Allele origin: germline.
Comment: This sequence change replaces glutamic acid, which is acidic and polar, with aspartic acid, which is acidic and polar, at codon 1032 of the CACNA1A protein (p.Glu1032Asp). This variant is present in population databases (rs751528565, gnomAD 0.003%). This variant has not been reported in the literature in individuals affected with CACNA1A-related conditions. ClinVar contains an entry for this variant (Variation ID: 2068754). Advanced modeling of protein sequence and biophysical properties (such as structural, functional, and spatial information, amino acid conservation, physicochemical variation, residue mobility, and thermodynamic stability) performed at Invitae indicates that this missense variant is not expected to disrupt CACNA1A protein function. In summary, the available evidence is currently insufficient to determine the role of this variant in disease. Therefore, it has been classified as a Variant of Uncertain Significance.

NM_001127222.2(CACNA1A):c.3093G>C (p.Glu1031Asp)

Gene: CACNA1A (calcium voltage-gated channel subunit alpha1 A; minus strand). Cytogenetic location: 19p13.13.
Variant type: single nucleotide variant.
Coding change: c.3093G>C on transcript NM_001127222.2 (MANE Select); coding-DNA position 3093, G replaced by C.
Protein change: p.Glu1031Asp; replaces glutamic acid 1031 with aspartic acid.
Molecular consequence: missense variant.
Genome position (GRCh38, 1-based): chr19:13,286,963, C>G on the plus strand (G>C on the coding strand, the complement: CACNA1A is on the minus strand). VCF-style: chr19-13286963-C-G. GRCh37 (hg19) VCF-style: chr19-13397777-C-G.
Other names: c.3105G>C, p.Glu1035Asp (NM_000068.4, NM_023035.3); c.3096G>C, p.Glu1032Asp (NM_001127221.2, NM_001174080.2); short protein forms E1031D, E1035D, E1032D.
Identifiers: ClinVar variation 2068754 (VCV002068754.4), dbSNP rs751528565, ClinGen allele CA9240419.